The following is an entry in ClinVar:

ClinVar aggregate classification (germline): Uncertain significance. Review status: reviewed by expert panel (3 of 4 stars). 2 submissions from 2 submitters: Uncertain significance (1). 1 of the submissions does not count toward it. Last evaluated 2024-04-01.

Conditions:
Severe combined immunodeficiency due to DCLRE1C deficiency (RS-SCID). Also called: SCID, AUTOSOMAL RECESSIVE, T CELL-NEGATIVE, B CELL-NEGATIVE, NK CELL-POSITIVE, WITH SENSITIVITY TO IONIZING RADIATION. Identifiers: Orphanet 275, MedGen C1865371, MONDO:0011225, OMIM 602450.

Submissions (2):

ClinGen Severe Combined Immunodeficiency Variant Curation Expert Panel, ClinGen
Classification: Uncertain significance for Severe combined immunodeficiency due to DCLRE1C deficiency. Last evaluated: 2024-04-01. Review status: reviewed by expert panel. Criteria: ClinGen SCID ACMG Specifications DCLRE1C V1.0.0. Collection method: curation. Allele origin: germline. Inheritance: Autosomal recessive inheritance.
Comment: The c.50A>G (NM_001033855.3) variant in DCLRE1C is a missense variant predicted to cause the substitution of Aspartic Acid by Glycine at amino acid 17 (p.Asp17Gly). This variant is absent from gnomAD v4 (PM2_Supporting). To our knowledge, this variant has not been reported in the literature in individuals affected with DCLRE1C-related conditions or in functional studies. Due to insufficient evidence, this variant is classified as a variant of uncertain significance for autosomal recessive severe combined immunodeficiency due to DCLRE1C deficiency, based on ACMG/AMP criteria applied, as specified by the ClinGen SCID VCEP (specification version 1.0): PM2_Supporting.

Labcorp Genetics (formerly Invitae), Labcorp
Classification: Uncertain significance for Athabaskan severe combined immunodeficiency. Last evaluated: 2020-02-25. Review status: criteria provided, single submitter. Criteria: Invitae Variant Classification Sherloc (09022015). Collection method: clinical testing. Allele origin: germline. Not counted in ClinVar's aggregate classification.
Comment: This sequence change replaces aspartic acid with glycine at codon 17 of the DCLRE1C protein (p.Asp17Gly). The aspartic acid residue is highly conserved and there is a moderate physicochemical difference between aspartic acid and glycine. This variant is not present in population databases (ExAC no frequency). This variant has not been reported in the literature in individuals with DCLRE1C-related conditions. Algorithms developed to predict the effect of missense changes on protein structure and function are either unavailable or do not agree on the potential impact of this missense change (SIFT: "Tolerated"; PolyPhen-2: "Probably Damaging"; Align-GVGD: "Class C0"). In summary, the available evidence is currently insufficient to determine the role of this variant in disease. Therefore, it has been classified as a Variant of Uncertain Significance.

NM_001033855.3(DCLRE1C):c.50A>G (p.Asp17Gly)

Gene: DCLRE1C (DNA cross-link repair 1C; minus strand). Cytogenetic location: 10p13.
Variant type: single nucleotide variant.
Coding change: c.50A>G on transcript NM_001033855.3 (MANE Select); coding-DNA position 50, A replaced by G.
Protein change: p.Asp17Gly; replaces aspartic acid 17 with glycine.
Molecular consequence: missense variant. On other transcripts: 5 prime UTR variant (9), non-coding transcript variant (4).
Genome position (GRCh38, 1-based): chr10:14,953,961, T>C on the plus strand (A>G on the coding strand, the complement: DCLRE1C is on the minus strand). VCF-style: chr10-14953961-T-C. GRCh37 (hg19) VCF-style: chr10-14995960-T-C.
Other names: NM_001033855.3(DCLRE1C):c.50A>G; p.Asp17Gly; c.-396A>G (NM_001033857.3, NM_001350967.2); c.-718A>G (NM_001033858.3); c.-155A>G (NM_001289076.2); c.-442A>G (NM_001289077.2); c.-188A>G (NM_001289078.2, NM_001350966.2); c.-764A>G (NM_001289079.2); and 2 more; short protein forms D17G.
Identifiers: ClinVar variation 1015912 (VCV001015912.9), dbSNP rs1842831150, ClinGen allele CA376065933.
Genomic context (GRCh38, chr10:14,953,961, plus strand): 5'-CCTTTGTGGCAGTGGGACAGGAAGTAGGCGCGGGCCCTCAGGTTCTCCCTATCGAAGCGG[T>C]CTATGGAGATAGTTGGATACTCGGCCATCTGCCCCTCGAAAGAACTCATAGCGCCGCCGA-3'
Protein context (NP_001029027.1, residues 7-27): QMAEYPTISI[Asp17Gly]RFDRENLRAR